The following is an entry in ClinVar:

ClinVar aggregate classification (germline): Likely benign. Review status: criteria provided, multiple submitters, no conflicts (2 of 4 stars). 3 submissions from 3 submitters: Likely benign (3). Last evaluated 2026-03-01.

Allele frequency attached by ClinVar (database versions not stated): gnomAD 0.00003 and 0.00004; TOPMed 0.00003; 1000 Genomes Project 30x 0.00047; 1000 Genomes Project 0.00060; gnomAD exomes 0.00001.
gnomAD v4.1: 21 of 1,551,334 alleles (0.0014%); highest among the groups gnomAD compares: Admixed American, 0.012%; no homozygotes.

Submissions (3):

CeGaT Center for Human Genetics Tuebingen
Classification: Likely benign. Last evaluated: 2026-03-01. Review status: criteria provided, single submitter. Criteria: CeGaT Center For Human Genetics Tuebingen Variant Classification Criteria Version 2. Collection method: clinical testing. Allele origin: germline. Affected: yes. Observed: 1 variant allele.
Comment: ZSWIM6: BP4, BP7

Labcorp Genetics (formerly Invitae), Labcorp
Classification: Likely benign. Last evaluated: 2025-07-26. Review status: criteria provided, single submitter. Criteria: Invitae Variant Classification Sherloc (09022015). Collection method: clinical testing. Allele origin: germline.

Blueprint Genetics
Classification: Likely benign. Last evaluated: 2024-05-30. Review status: criteria provided, single submitter. Criteria: ACMG Guidelines, 2015. Collection method: clinical testing. Allele origin: germline.

NM_020928.2(ZSWIM6):c.2340C>T (p.His780=)

Gene: ZSWIM6 (zinc finger SWIM-type containing 6; plus strand). Cytogenetic location: 5q12.1.
Variant type: single nucleotide variant.
Coding change: c.2340C>T on transcript NM_020928.2 (MANE Select); coding-DNA position 2340, C replaced by T.
Protein change: p.His780=; no amino-acid change (histidine 780 retained).
Molecular consequence: synonymous variant.
Genome position (GRCh38, 1-based): chr5:61,535,578, C>T. VCF-style: chr5-61535578-C-T. GRCh37 (hg19) VCF-style: chr5-60831405-C-T.
Identifiers: ClinVar variation 745049 (VCV000745049.14), dbSNP rs193297656, ClinGen allele CA119663430.